The following is an entry in ClinVar:

ClinVar aggregate classification (germline): Uncertain significance (1 of 4 stars; one submission).

Conditions:
Hereditary cancer-predisposing syndrome. Also called: Tumor predisposition; Neoplastic Syndromes, Hereditary; Hereditary Cancer Syndrome; Hereditary neoplastic syndrome. Identifiers: Orphanet 140162, MedGen C0027672, MeSH D009386, MONDO:0015356.

Submission:

Color Diagnostics, LLC DBA Color Health
Classification: Uncertain significance for Hereditary cancer-predisposing syndrome. Last evaluated: 2024-03-06. Review status: criteria provided, single submitter. Criteria: ACMG Guidelines, 2015. Collection method: clinical testing. Allele origin: germline.
Comment: This missense variant replaces histidine with tyrosine at codon 2111 of the ATM protein. Computational prediction suggests that this variant may not impact protein structure and function (internally defined REVEL score threshold <= 0.5, PMID: 27666373). To our knowledge, functional studies have not been reported for this variant. This variant has not been reported in individuals affected with hereditary cancer in the literature. This variant has not been identified in the general population by the Genome Aggregation Database (gnomAD). The available evidence is insufficient to determine the role of this variant in disease conclusively. Therefore, this variant is classified as a Variant of Uncertain Significance.

NM_000051.4(ATM):c.6331C>T (p.His2111Tyr)

Genes: ATM (ATM serine/threonine kinase; plus strand), C11orf65 (chromosome 11 open reading frame 65; minus strand). Cytogenetic location: 11q22.3.
Variant type: single nucleotide variant.
Coding change: c.6331C>T on transcript NM_000051.4 (MANE Select); coding-DNA position 6331, C replaced by T.
Protein change: p.His2111Tyr; replaces histidine 2111 with tyrosine.
Molecular consequence: missense variant. On other transcripts: intron variant (2).
Genome position (GRCh38, 1-based): chr11:108,317,505, C>T. VCF-style: chr11-108317505-C-T. GRCh37 (hg19) VCF-style: chr11-108188232-C-T.
Other names: c.*39-8434G>A (NM_001351110.2); c.6331C>T, p.His2111Tyr (NM_001351834.2); c.641-8434G>A (NM_001330368.2); short protein forms H2111Y.
Identifiers: ClinVar variation 2774696 (VCV002774696.1), dbSNP rs1591790320, ClinGen allele CA382552270.